The following is an entry in ClinVar:

ClinVar aggregate classification (germline): Uncertain significance (1 of 4 stars; one submission).

Conditions:
Tumor predisposition syndrome 3 (TPDS3). Also called: Melanoma, cutaneous malignant, susceptibility to, 10; Glioma susceptibility 9; LONG TELOMERE SYNDROME, POT1-RELATED; POT1 Tumor Predisposition. Identifiers: Orphanet 618, MedGen C4014476, MONDO:0014368, OMIM 615848.

Submission:

Labcorp Genetics (formerly Invitae), Labcorp
Classification: Uncertain significance for Tumor predisposition syndrome 3. Last evaluated: 2022-08-21. Review status: criteria provided, single submitter. Criteria: Invitae Variant Classification Sherloc (09022015). Collection method: clinical testing. Allele origin: germline.
Comment: In summary, the available evidence is currently insufficient to determine the role of this variant in disease. Therefore, it has been classified as a Variant of Uncertain Significance. Algorithms developed to predict the effect of missense changes on protein structure and function are either unavailable or do not agree on the potential impact of this missense change (SIFT: "Deleterious"; PolyPhen-2: "Probably Damaging"; Align-GVGD: "Class C0"). This variant has not been reported in the literature in individuals affected with POT1-related conditions. This variant is not present in population databases (gnomAD no frequency). This sequence change replaces proline, which is neutral and non-polar, with alanine, which is neutral and non-polar, at codon 70 of the POT1 protein (p.Pro70Ala).

NM_015450.3(POT1):c.208C>G (p.Pro70Ala)

Gene: POT1 (protection of telomeres 1; minus strand). Cytogenetic location: 7q31.33.
Variant type: single nucleotide variant.
Coding change: c.208C>G on transcript NM_015450.3 (MANE Select); coding-DNA position 208, C replaced by G.
Protein change: p.Pro70Ala; replaces proline 70 with alanine.
Molecular consequence: missense variant. On other transcripts: non-coding transcript variant (3), intron variant (1).
Genome position (GRCh38, 1-based): chr7:124,870,958, G>C on the plus strand (C>G on the coding strand, the complement: POT1 is on the minus strand). VCF-style: chr7-124870958-G-C. GRCh37 (hg19) VCF-style: chr7-124511012-G-C.
Other names: c.-138-7318C>G (NM_001042594.2); short protein forms P70A.
Identifiers: ClinVar variation 1717448 (VCV001717448.6), dbSNP rs1795852882, ClinGen allele CA369061438.